The following is an entry in ClinVar:

NM_012414.4(RAB3GAP2):c.2852T>A (p.Phe951Tyr)

Gene: RAB3GAP2 (RAB3 GTPase activating non-catalytic protein subunit 2; minus strand). Cytogenetic location: 1q41.
Variant type: single nucleotide variant.
Coding change: c.2852T>A on transcript NM_012414.4 (MANE Select); coding-DNA position 2852, T replaced by A.
Protein change: p.Phe951Tyr; replaces phenylalanine 951 with tyrosine.
Molecular consequence: missense variant.
Genome position (GRCh38, 1-based): chr1:220,167,630, A>T on the plus strand (T>A on the coding strand, the complement: RAB3GAP2 is on the minus strand). VCF-style: chr1-220167630-A-T. GRCh37 (hg19) VCF-style: chr1-220340972-A-T.
Other names: short protein forms F951Y.
Identifiers: ClinVar variation 1917916 (VCV001917916.3), dbSNP rs1251539896, ClinGen allele CA344636822.

ClinVar aggregate classification (germline): Uncertain significance (1 of 4 stars; one submission).

Conditions:
Warburg micro syndrome 2 (WARBM2). Also called: MICRO SYNDROME 2. Identifiers: Orphanet 2510, MedGen C3280214, MONDO:0013641, OMIM 614225.
Martsolf syndrome (MARTS). Also called: Congenital cataract with intellectual disability and hypogonadotropic hypogonadism syndrome. Identifiers: Orphanet 1387, MedGen C0796037, MONDO:0023910.

Allele frequency attached by ClinVar (database versions not stated): TOPMed below 0.00001; gnomAD 0.00001.
gnomAD v4.1: 1 of 1,613,960 alleles (0.000062%); highest among the groups gnomAD compares: African/African-American, 0.0013%; no homozygotes.

Submission:

Labcorp Genetics (formerly Invitae), Labcorp
Classification: Uncertain significance for Martsolf syndrome; Warburg micro syndrome 2. Last evaluated: 2022-09-01. Review status: criteria provided, single submitter. Criteria: Invitae Variant Classification Sherloc (09022015). Collection method: clinical testing. Allele origin: germline.
Comment: In summary, the available evidence is currently insufficient to determine the role of this variant in disease. Therefore, it has been classified as a Variant of Uncertain Significance. Algorithms developed to predict the effect of missense changes on protein structure and function are either unavailable or do not agree on the potential impact of this missense change (SIFT: "Deleterious"; PolyPhen-2: "Benign"; Align-GVGD: "Class C0"). This variant has not been reported in the literature in individuals affected with RAB3GAP2-related conditions. This variant is not present in population databases (gnomAD no frequency). This sequence change replaces phenylalanine, which is neutral and non-polar, with tyrosine, which is neutral and polar, at codon 951 of the RAB3GAP2 protein (p.Phe951Tyr).